The following is an entry in ClinVar:

NM_173628.4(DNAH17):c.5862C>T (p.Ala1954=)

Genes: DNAH17 (dynein axonemal heavy chain 17; minus strand), DNAH17-AS1 (DNAH17 antisense RNA 1; plus strand). Cytogenetic location: 17q25.3.
Variant type: single nucleotide variant.
Coding change: c.5862C>T on transcript NM_173628.4 (MANE Select); coding-DNA position 5862, C replaced by T.
Protein change: p.Ala1954=; no amino-acid change (alanine 1954 retained).
Molecular consequence: synonymous variant.
Genome position (GRCh38, 1-based): chr17:78,495,916, G>A on the plus strand (C>T on the coding strand, the complement: DNAH17 is on the minus strand). VCF-style: chr17-78495916-G-A. GRCh37 (hg19) VCF-style: chr17-76491998-G-A.
Identifiers: ClinVar variation 3037336 (VCV003037336.2), dbSNP rs61745171, ClinGen allele CA8803038.

ClinVar aggregate classification (germline): Benign (0 of 4 stars; one submission).

Conditions:
DNAH17-related disorder. Also called: DNAH17-related condition.

Allele frequency attached by ClinVar (database versions not stated): ESP Exome Variant Server 0.00995; 1000 Genomes Project 0.01178; 1000 Genomes Project 30x 0.01202.
gnomAD v4.1: 2,712 of 1,613,838 alleles (0.17%); highest among the groups gnomAD compares: African/African-American, 3%; 37 homozygotes.

Submission:

PreventionGenetics, part of Exact Sciences
Classification: Benign for DNAH17-related condition. Last evaluated: 2019-02-19. Review status: no assertion criteria provided. Collection method: clinical testing. Allele origin: germline.
Comment: This variant is classified as benign based on ACMG/AMP sequence variant interpretation guidelines (Richards et al. 2015 PMID: 25741868, with internal and published modifications).